The following is an entry in ClinVar:

ClinVar aggregate classification (germline): Uncertain significance. Review status: criteria provided, multiple submitters, no conflicts (2 of 4 stars). 2 submissions from 2 submitters: Uncertain significance (2). Last evaluated 2025-10-27.

Conditions:
Hereditary cancer-predisposing syndrome. Also called: Neoplastic Syndromes, Hereditary; Hereditary Cancer Syndrome; Tumor predisposition; Hereditary neoplastic syndrome. Identifiers: Orphanet 140162, MedGen C0027672, MeSH D009386, MONDO:0015356.
Bloom syndrome (BLM). Also called: Bloom-Torre-Machacek syndrome. Identifiers: Orphanet 125, MedGen C0005859, MONDO:0008876, OMIM 210900.

Allele frequency attached by ClinVar (database versions not stated): gnomAD 0.00001.
gnomAD v4.1: 2 of 1,612,192 alleles (0.00012%); highest among the groups gnomAD compares: East Asian, 0.0045%; no homozygotes.

Submissions (2):

Ambry Genetics
Classification: Uncertain significance for Hereditary cancer-predisposing syndrome. Last evaluated: 2025-10-27. Review status: criteria provided, single submitter. Criteria: Ambry Variant Classification Scheme 2023. Collection method: clinical testing. Allele origin: germline.
Comment: The p.D420H variant (also known as c.1258G>C), located in coding exon 6 of the BLM gene, results from a G to C substitution at nucleotide position 1258. The aspartic acid at codon 420 is replaced by histidine, an amino acid with similar properties. This amino acid position is conserved. In addition, this alteration is predicted to be tolerated by in silico analysis. Since supporting evidence is limited at this time, the clinical significance of this alteration remains unclear.

Labcorp Genetics (formerly Invitae), Labcorp
Classification: Uncertain significance for Bloom syndrome. Last evaluated: 2022-02-20. Review status: criteria provided, single submitter. Criteria: Invitae Variant Classification Sherloc (09022015). Collection method: clinical testing. Allele origin: germline.
Comment: This sequence change replaces aspartic acid, which is acidic and polar, with histidine, which is basic and polar, at codon 420 of the BLM protein (p.Asp420His). This variant is not present in population databases (gnomAD no frequency). This variant has not been reported in the literature in individuals affected with BLM-related conditions. ClinVar contains an entry for this variant (Variation ID: 1038686). Algorithms developed to predict the effect of missense changes on protein structure and function are either unavailable or do not agree on the potential impact of this missense change (SIFT: "Deleterious"; PolyPhen-2: "Possibly Damaging"; Align-GVGD: "Class C0"). In summary, the available evidence is currently insufficient to determine the role of this variant in disease. Therefore, it has been classified as a Variant of Uncertain Significance.

NM_000057.4(BLM):c.1258G>C (p.Asp420His)

Gene: BLM (BLM RecQ like helicase; plus strand). Cytogenetic location: 15q26.1.
Variant type: single nucleotide variant.
Coding change: c.1258G>C on transcript NM_000057.4 (MANE Select); coding-DNA position 1258, G replaced by C.
Protein change: p.Asp420His; replaces aspartic acid 420 with histidine.
Molecular consequence: missense variant.
Genome position (GRCh38, 1-based): chr15:90,760,631, G>C. VCF-style: chr15-90760631-G-C. GRCh37 (hg19) VCF-style: chr15-91303861-G-C.
Other names: c.1258G>C (NM_000057.2); c.1258G>C, p.Asp420His (NM_001287246.2, NM_001287247.2); c.133G>C, p.Asp45His (NM_001287248.2); short protein forms D420H, D45H.
Identifiers: ClinVar variation 1038686 (VCV001038686.11), dbSNP rs1895947012, ClinGen allele CA393842672.